The following is an entry in ClinVar:

ClinVar aggregate classification (germline): Conflicting classifications of pathogenicity. Review status: criteria provided, conflicting classifications (1 of 4 stars). 2 submissions from 1 submitter: Uncertain significance (1); Likely benign (1). Last evaluated 2017-10-17.

Conditions:
Arrhythmogenic right ventricular dysplasia 2. Identifiers: MedGen C1832931.
Catecholaminergic polymorphic ventricular tachycardia 1. Also called: RYR2-Related Catecholaminergic Polymorphic Ventricular Tachycardia; VENTRICULAR TACHYCARDIA, CATECHOLAMINERGIC POLYMORPHIC, 1, WITH OR WITHOUT ATRIAL DYSFUNCTION AND/OR DILATED CARDIOMYOPATHY; VENTRICULAR TACHYCARDIA, STRESS-INDUCED POLYMORPHIC 1. Identifiers: Orphanet 3286, MedGen C1631597, MONDO:0011484, OMIM 604772.

Allele frequency attached by ClinVar (database versions not stated): 1000 Genomes Project 30x 0.00016; 1000 Genomes Project 0.00020; gnomAD 0.00032 and 0.00035; TOPMed 0.00032.

Submissions (2):

Illumina Laboratory Services, Illumina
Classification: Likely benign for Catecholaminergic polymorphic ventricular tachycardia 1. Last evaluated: 2017-10-17. Review status: criteria provided, single submitter. Criteria: ICSL Variant Classification Criteria 13 December 2019. Collection method: clinical testing. Allele origin: germline.
Comment: This variant was observed as part of a predisposition screen in an ostensibly healthy population. A literature search was performed for the gene, cDNA change, and amino acid change (where applicable). No publications were found based on this search. Allele frequency data from public databases allowed determination this variant is unlikely to cause disease. Therefore, this variant is classified as likely benign.

Illumina Laboratory Services, Illumina
Classification: Uncertain significance for Catecholaminergic polymorphic ventricular tachycardia 1. Last evaluated: 2017-04-27. Review status: criteria provided, single submitter. Criteria: ICSL Variant Classification Criteria 13 December 2019. Collection method: clinical testing. Allele origin: germline.

NM_001035.3(RYR2):c.*399A>G

Gene: RYR2 (ryanodine receptor 2; plus strand). Cytogenetic location: 1q43.
Variant type: single nucleotide variant.
Coding change: c.*399A>G on transcript NM_001035.3 (MANE Select); 399 bases downstream of the stop codon, A replaced by G.
Molecular consequence: 3 prime UTR variant.
Genome position (GRCh38, 1-based): chr1:237,833,046, A>G. VCF-style: chr1-237833046-A-G. GRCh37 (hg19) VCF-style: chr1-237996346-A-G.
Identifiers: ClinVar variation 875870 (VCV000875870.4), dbSNP rs184537159, ClinGen allele CA39835439.